The following is an entry in ClinVar:

ClinVar aggregate classification (germline): Pathogenic (1 of 4 stars; one submission).

Submission:

ISCA site 4
Classification: Pathogenic. Last evaluated: 2011-08-12. Review status: criteria provided, single submitter. Criteria: Kaminsky et al. (Genet Med. 2011). Collection method: clinical testing. Allele origin: unknown. Affected: yes. Observed: 1 variant allele.
Comment: Copy number variation identified through the course of routine clinical cytogenomic testing in postnatal populations. Clinical assertions have been curated as described in Kaminsky et al. 2011.

GRCh38/hg38 10q26.13-26.3(chr10:122265252-133620674)x1

Genes: ABRAXAS2 (abraxas 2, BRISC complex subunit; plus strand), ACADSB (acyl-CoA dehydrogenase short/branched chain; plus strand), ADAM12 (ADAM metallopeptidase domain 12; minus strand), ADAM8 (ADAM metallopeptidase domain 8; minus strand), ADGRA1 (adhesion G protein-coupled receptor A1; plus strand) and 385 more. Cytogenetic location: 10q26.13-26.3.
Variant type: copy number loss.
Change: copy number 1 (one copy instead of two) of chr10:122,265,252-133,620,674 (11.36 Mb, GRCh38 coordinates, 1-based), cytogenetic band 10q26.13-26.3.
Identifiers: ClinVar variation 57376 (VCV000057376.1).